The following is an entry in ClinVar:

ClinVar aggregate classification (germline): Benign. Review status: criteria provided, multiple submitters, no conflicts (2 of 4 stars). 5 submissions from 5 submitters: Benign (5). Last evaluated 2026-01-11.

Conditions:
Anemia, congenital dyserythropoietic, type 1a (CDAN1A). Also called: DYSERYTHROPOIETIC ANEMIA, CONGENITAL, TYPE Ia; CDAN1-Related Congenital Dyserythropoietic Anemia. Identifiers: MedGen C5574667, MONDO:0009135, OMIM 224120.
Congenital dyserythropoietic anemia, type I. Also called: Dyserythropoietic anemia, congenital type 1. Identifiers: Orphanet 98869, MedGen C0271933, MONDO:0020337. Disease mechanism: loss of function.

Allele frequency attached by ClinVar (database versions not stated): gnomAD exomes 0.00052 and 0.00128; ExAC 0.00177; gnomAD 0.00575 and 0.00622; 1000 Genomes Project 0.00599; 1000 Genomes Project 30x 0.00609; TOPMed 0.00614; ESP Exome Variant Server 0.00731.

Submissions (5):

Labcorp Genetics (formerly Invitae), Labcorp
Classification: Benign. Last evaluated: 2026-01-11. Review status: criteria provided, single submitter. Criteria: Invitae Variant Classification Sherloc (09022015). Collection method: clinical testing. Allele origin: germline.

ARUP Laboratories, Molecular Genetics and Genomics, ARUP Laboratories
Classification: Benign for Anemia, congenital dyserythropoietic, type 1a. Last evaluated: 2024-10-24. Review status: criteria provided, single submitter. Criteria: ARUP Molecular Germline Variant Investigation Process 2024. Collection method: clinical testing. Allele origin: germline.

Mayo Clinic Laboratories, Mayo Clinic
Classification: Benign. Last evaluated: 2022-05-17. Review status: criteria provided, single submitter. Criteria: ACMG Guidelines, 2015. Collection method: clinical testing. Allele origin: germline. Observed: 16 variant alleles.
Comment: BS1, BS2

Illumina Laboratory Services, Illumina
Classification: Benign for Anemia, congenital dyserythropoietic, type 1a. Last evaluated: 2018-01-12. Review status: criteria provided, single submitter. Criteria: ICSL Variant Classification Criteria 13 December 2019. Collection method: clinical testing. Allele origin: germline.
Comment: This variant was observed in the ICSL laboratory as part of a predisposition screen in an ostensibly healthy population. It had not been previously curated by ICSL or reported in the Human Gene Mutation Database (HGMD: prior to June 1st, 2018), and was therefore a candidate for classification through an automated scoring system. Utilizing variant allele frequency, disease prevalence and penetrance estimates, and inheritance mode, an automated score was calculated to assess if this variant is too frequent to cause the disease. Based on the score and internal cut-off values, a variant classified as benign is not then subjected to further curation. The score for this variant resulted in a classification of benign for this disease.

Breakthrough Genomics
Classification: Benign. Review status: criteria provided, single submitter. Criteria: ACMG Guidelines, 2015. Collection method: not provided. Allele origin: germline. Inheritance: Autosomal recessive inheritance. Affected: yes.

NM_138477.4(CDAN1):c.2700G>A (p.Gln900=)

Gene: CDAN1 (codanin 1; minus strand). Cytogenetic location: 15q15.2.
Variant type: single nucleotide variant.
Coding change: c.2700G>A on transcript NM_138477.4 (MANE Select); coding-DNA position 2700, G replaced by A.
Protein change: p.Gln900=; no amino-acid change (glutamine 900 retained).
Molecular consequence: synonymous variant.
Genome position (GRCh38, 1-based): chr15:42,728,756, C>T on the plus strand (G>A on the coding strand, the complement: CDAN1 is on the minus strand). VCF-style: chr15-42728756-C-T. GRCh37 (hg19) VCF-style: chr15-43020954-C-T.
Other names: p.Gln900=; c.2700G>A, p.Gln900= (LRG_1164t1).
Identifiers: ClinVar variation 315930 (VCV000315930.23), dbSNP rs61745640, ClinGen allele CA7515500.